The following is an entry in ClinVar:

NM_001165963.4(SCN1A):c.655_964+402del

Gene: SCN1A (sodium voltage-gated channel alpha subunit 1; minus strand). Cytogenetic location: 2q24.3.
Variant type: Deletion.
Coding change: c.655_964+402del on transcript NM_001165963.4 (MANE Select); coding-DNA position 655 through 402 bases into the intron after coding-DNA position 964, 1,575 bases deleted.
Molecular consequence: splice acceptor variant, splice donor variant.
Genome position (GRCh38, 1-based): chr2:166,051,317-166,052,891, 1,575 bases deleted. GRCh37 (hg19): chr2:166,907,828-166,909,402.
Other names: c.655_964+402del (NM_001353949.2, NM_001353958.2, NM_001353950.2 and 10 more transcripts); c.-1771_-1462+402del (NM_001353961.2).
Identifiers: ClinVar variation 579103 (VCV000579103.3), ClinGen allele CA891842518.

ClinVar aggregate classification (germline): Pathogenic (1 of 4 stars; one submission).

Conditions:
Developmental and epileptic encephalopathy. Identifiers: MedGen C5779964, MONDO:0100620.

Submission:

Labcorp Genetics (formerly Invitae), Labcorp
Classification: Pathogenic for Early infantile epileptic encephalopathy with suppression bursts. Last evaluated: 2019-05-10. Review status: criteria provided, single submitter. Criteria: Invitae Variant Classification Sherloc (09022015). Collection method: clinical testing. Allele origin: germline.
Comment: This variant is a deletion of the genomic region encompassing exon 6 and part of exon 5 (c.655_964+402del) of the SCN1A gene. It is expected to disrupt RNA splicing and likely results in an absent or disrupted protein product. This variant has not been reported in the literature in individuals with SCN1A-related conditions. ClinVar contains an entry for this variant (Variation ID: 579103). Loss-of-function variants in SCN1A are known to be pathogenic (PMID: 17347258, 18930999). For these reasons, this variant has been classified as Pathogenic.